The following is an entry in ClinVar:

ClinVar aggregate classification (germline): Pathogenic (1 of 4 stars; one submission).

Conditions:
Familial cancer of breast. Also called: Hereditary breast cancer; hereditary breast carcinoma; BREAST CANCER, FAMILIAL. Identifiers: Orphanet 227535, MedGen C0346153, MONDO:0016419, OMIM 114480. Disease mechanism: loss of function.

Submission:

Myriad Genetics, Inc.
Classification: Pathogenic for Familial cancer of breast. Last evaluated: 2025-03-05. Review status: criteria provided, single submitter. Criteria: Myriad Autosomal Dominant, Autosomal Recessive and X-Linked Classification Criteria (2023). Collection method: clinical testing. Allele origin: unknown.
Comment: This variant is considered pathogenic. This variant creates a frameshift predicted to result in premature protein truncation.

NM_024675.4(PALB2):c.851dup (p.Ser285fs)

Gene: PALB2 (partner and localizer of BRCA2; minus strand). Cytogenetic location: 16p12.2.
Variant type: Duplication.
Coding change: c.851dup on transcript NM_024675.4 (MANE Select); coding-DNA position 851, one base duplicated (C; older notation c.851dupC).
Protein change: p.Ser285fs; shifts the reading frame from serine 285.
Molecular consequence: frameshift variant. On other transcripts: 5 prime UTR variant (8), intron variant (3).
Genome position (GRCh38, 1-based): chr16:23,635,695, G duplicated on the plus strand (C on the coding strand, the reverse complement: PALB2 is on the minus strand). VCF-style (leftmost placement, unchanged base first): chr16-23635694-A-AG. GRCh37 (hg19) VCF-style: chr16-23647015-A-AG.
Other names: c.791dup, p.Ser265fs (NM_001407296.1); c.851dup, p.Ser285fs (NM_001407297.1, NM_001407298.1, NM_001407299.1 and 3 more transcripts); c.-35dup (NM_001407304.1, NM_001407305.1, NM_001407306.1 and 5 more transcripts); c.48+5415dup (NM_001407314.1); c.-104-5226dup (NM_001407313.1, NM_001407312.1); short protein forms S265fs, S285fs.
Identifiers: ClinVar variation 3904736 (VCV003904736.1).
Genomic context (GRCh38, chr16:23,635,694, plus strand): 5'-AAGGAGGTTATCTGTAGAGACAGTCATTTTTTTGCCTTGTGCCTCCAAACTTACAGGTGA[A>AG]GTAAATCTAATGTTTTTTAGGTCGTGAGTAGTAAGTTCACTGCTACCTTTAGGAGGAATG-3'